The following is an entry in ClinVar:

NM_001365999.1(SZT2):c.7735C>T (p.Gln2579Ter)

Gene: SZT2 (SZT2 subunit of KICSTOR complex; plus strand). Cytogenetic location: 1p34.2.
Variant type: single nucleotide variant.
Coding change: c.7735C>T on transcript NM_001365999.1 (MANE Select); coding-DNA position 7735, C replaced by T.
Protein change: p.Gln2579Ter; replaces glutamine 2579 with a stop codon.
Molecular consequence: nonsense.
Genome position (GRCh38, 1-based): chr1:43,441,811, C>T. VCF-style: chr1-43441811-C-T. GRCh37 (hg19) VCF-style: chr1-43907482-C-T.
Other names: c.7564C>T, p.Gln2522Ter (NM_015284.4); short protein forms Q2522*, Q2579*.
Identifiers: ClinVar variation 1456246 (VCV001456246.10), dbSNP rs2153935815, ClinGen allele CA340035919.

ClinVar aggregate classification (germline): Pathogenic. Review status: criteria provided, multiple submitters, no conflicts (2 of 4 stars). 3 submissions from 3 submitters: Pathogenic (3). Last evaluated 2023-04-11.

Conditions:
Developmental and epileptic encephalopathy, 18 (DEE18). Also called: Early infantile epileptic encephalopathy 18. Identifiers: Orphanet 369894, MedGen C3809624, MONDO:0014201, OMIM 615476.

gnomAD v4.1: 1 of 1,614,164 alleles (0.000062%); highest among the groups gnomAD compares: Non-Finnish European, 0.000085%; no homozygotes.

Submissions (3):

Genome-Nilou Lab
Classification: Pathogenic for Developmental and epileptic encephalopathy, 18. Last evaluated: 2023-04-11. Review status: criteria provided, single submitter. Criteria: ACMG Guidelines, 2015. Collection method: clinical testing. Allele origin: germline. Affected: no.

Labcorp Genetics (formerly Invitae), Labcorp
Classification: Pathogenic. Last evaluated: 2022-07-19. Review status: criteria provided, single submitter. Criteria: Invitae Variant Classification Sherloc (09022015). Collection method: clinical testing. Allele origin: germline.
Comment: For these reasons, this variant has been classified as Pathogenic. ClinVar contains an entry for this variant (Variation ID: 1456246). This variant has not been reported in the literature in individuals affected with SZT2-related conditions. This variant is not present in population databases (gnomAD no frequency). This sequence change creates a premature translational stop signal (p.Gln2522*) in the SZT2 gene. It is expected to result in an absent or disrupted protein product. Loss-of-function variants in SZT2 are known to be pathogenic (PMID: 23932106, 27248490, 28556953).

Victorian Clinical Genetics Services, Murdoch Childrens Research Institute
Classification: Pathogenic for Developmental and epileptic encephalopathy, 18. Last evaluated: 2020-05-21. Review status: criteria provided, single submitter. Criteria: ACMG Guidelines, 2015. Collection method: clinical testing. Allele origin: germline. Inheritance: Autosomal recessive inheritance.
Comment: A heterozygous nonsense variant was identified, NM_015284.3(SZT2):c.7564C>T in exon 54 of 71 of the SZT2 gene. This nonsense variant is predicted to create a change of a glutamine to a stop at amino acid position 2522 of the protein NP_056099.3(SZT2):p.(Gln2522*), resulting in the loss of normal protein function through nonsense-mediated decay (NMD). The variant is not present in the gnomAD population database. The variant has not been previously reported in clinical cases, however, other variants predicted to cause NMD have been reported as pathogenic in individuals with autosomal recessive early infantile epileptic encephalopathy (ClinVar). Based on information available at the time of curation, this variant has been classified as PATHOGENIC.

Literature cited by the submitters: PubMed 23932106 (cited by Labcorp Genetics (formerly Invitae), Labcorp); PubMed 27248490 (cited by Labcorp Genetics (formerly Invitae), Labcorp); PubMed 28556953 (cited by Labcorp Genetics (formerly Invitae), Labcorp).